The following is an entry in ClinVar:

NM_001084.5(PLOD3):c.950G>A (p.Arg317Gln)

Gene: PLOD3 (procollagen-lysine,2-oxoglutarate 5-dioxygenase 3; minus strand). Cytogenetic location: 7q22.1.
Variant type: single nucleotide variant.
Coding change: c.950G>A on transcript NM_001084.5 (MANE Select); coding-DNA position 950, G replaced by A.
Protein change: p.Arg317Gln; replaces arginine 317 with glutamine.
Molecular consequence: missense variant.
Genome position (GRCh38, 1-based): chr7:101,212,585, C>T on the plus strand (G>A on the coding strand, the complement: PLOD3 is on the minus strand). VCF-style: chr7-101212585-C-T. GRCh37 (hg19) VCF-style: chr7-100855866-C-T.
Other names: c.950G>A (NM_001084.4); short protein forms R317Q.
Identifiers: ClinVar variation 1476503 (VCV001476503.7), dbSNP rs373230090, ClinGen allele CA4407924.

ClinVar aggregate classification (germline): Uncertain significance. Review status: criteria provided, multiple submitters, no conflicts (2 of 4 stars). 4 submissions from 4 submitters: Uncertain significance (4). Last evaluated 2026-08-06.

Conditions:
PLOD3-related disorder. Also called: PLOD3-related condition.
Inborn genetic diseases. Identifiers: MedGen C0950123, MeSH D030342.
Bone fragility with contractures, arterial rupture, and deafness. Also called: BCARD SYNDROME; BONE ABNORMALITIES, CATARACT, ARTERIAL RUPTURE, AND DEAFNESS; LH3 DEFICIENCY; LYSYL HYDROXYLASE 3 DEFICIENCY. Identifiers: Orphanet 300284, MedGen C2676285, MONDO:0012892, OMIM 612394.

Allele frequency attached by ClinVar (database versions not stated): gnomAD 0.00001 and 0.00002; gnomAD exomes 0.00001; ExAC 0.00002; TOPMed 0.00002; ESP Exome Variant Server 0.00008.
gnomAD v4.1: 19 of 1,613,594 alleles (0.0012%); highest among the groups gnomAD compares: Non-Finnish European, 0.0014%; no homozygotes.

Submissions (4):

OLLIN Analises Genomicas, OLLIN
Classification: Uncertain significance for Bone fragility with contractures, arterial rupture, and deafness. Last evaluated: 2026-08-06. Review status: criteria provided, single submitter. Criteria: ACMG Guidelines 2015 PMID 25741868. Collection method: clinical testing. Allele origin: germline.
Comment: This missense variant, located in exon 9 (of 19), has been reported in ClinVar (accession VCV001476503.6) and in gnomAD with an allele frequency of 0.0012%. However, to our knowledge, it has not been reported in the scientific literature. In silico analysis is inconclusive regarding the impact of this variant. According to the currently available evidence, this variant has been classified as uncertain significance (PM2_P).

PreventionGenetics, part of Exact Sciences
Classification: Uncertain significance for PLOD3-related condition. Last evaluated: 2025-10-08. Review status: criteria provided, single submitter. Criteria: ACMG Guidelines, 2015. Collection method: clinical testing. Allele origin: germline.
Comment: The PLOD3 c.950G>A variant is predicted to result in the amino acid substitution p.Arg317Gln. To our knowledge, this variant has not been reported in the literature. This variant is reported in 0.0040% of alleles in individuals of African descent in gnomAD. At this time, the clinical significance of this variant is uncertain due to the absence of conclusive functional and genetic evidence.

Ambry Genetics
Classification: Uncertain significance for Inborn genetic diseases. Last evaluated: 2024-10-09. Review status: criteria provided, single submitter. Criteria: Ambry Variant Classification Scheme 2023. Collection method: clinical testing. Allele origin: germline.

Labcorp Genetics (formerly Invitae), Labcorp
Classification: Uncertain significance. Last evaluated: 2022-03-22. Review status: criteria provided, single submitter. Criteria: Invitae Variant Classification Sherloc (09022015). Collection method: clinical testing. Allele origin: germline.
Comment: This sequence change replaces arginine, which is basic and polar, with glutamine, which is neutral and polar, at codon 317 of the PLOD3 protein (p.Arg317Gln). This variant is present in population databases (rs373230090, gnomAD 0.004%). This variant has not been reported in the literature in individuals affected with PLOD3-related conditions. Algorithms developed to predict the effect of missense changes on protein structure and function are either unavailable or do not agree on the potential impact of this missense change (SIFT: "Tolerated"; PolyPhen-2: "Possibly Damaging"; Align-GVGD: "Class C0"). Algorithms developed to predict the effect of sequence changes on RNA splicing suggest that this variant may create or strengthen a splice site. In summary, the available evidence is currently insufficient to determine the role of this variant in disease. Therefore, it has been classified as a Variant of Uncertain Significance.